The following is an entry in ClinVar:

NM_000036.3(AMPD1):c.1807G>A (p.Val603Met)

Gene: AMPD1 (adenosine monophosphate deaminase 1; minus strand). Cytogenetic location: 1p13.2.
Variant type: single nucleotide variant.
Coding change: c.1807G>A on transcript NM_000036.3 (MANE Select); coding-DNA position 1807, G replaced by A.
Protein change: p.Val603Met; replaces valine 603 with methionine.
Molecular consequence: missense variant.
Genome position (GRCh38, 1-based): chr1:114,674,076, C>T on the plus strand (G>A on the coding strand, the complement: AMPD1 is on the minus strand). VCF-style: chr1-114674076-C-T. GRCh37 (hg19) VCF-style: chr1-115216697-C-T.
Other names: c.1795G>A, p.Val599Met (NM_001172626.2); short protein forms V599M, V603M.
Identifiers: ClinVar variation 1417086 (VCV001417086.5), dbSNP rs776521726, ClinGen allele CA1020000.

ClinVar aggregate classification (germline): Uncertain significance (1 of 4 stars; one submission).

Conditions:
Muscle AMP deaminase deficiency (MMDD). Also called: Adenosine monophosphate deaminase 1 deficiency; AMP deaminase 1 deficiency; Adenosine Monophosphate Deaminase 1; AMPD1 DEFICIENCY; ADENOSINE MONOPHOSPHATE DEAMINASE-1 DEFICIENCY, MYOPATHY DUE TO; Myoadenylate deaminase deficiency, myopathy due to. Identifiers: Orphanet 45, MedGen C3714933, MONDO:0014220, OMIM 615511.

Allele frequency attached by ClinVar (database versions not stated): ExAC 0.00002; gnomAD exomes 0.00002; gnomAD 0.00005 and 0.00006; TOPMed 0.00005.
gnomAD v4.1: 50 of 1,613,178 alleles (0.0031%); highest among the groups gnomAD compares: South Asian, 0.014%; no homozygotes.

Submission:

Labcorp Genetics (formerly Invitae), Labcorp
Classification: Uncertain significance for Muscle AMP deaminase deficiency. Last evaluated: 2022-10-27. Review status: criteria provided, single submitter. Criteria: Invitae Variant Classification Sherloc (09022015). Collection method: clinical testing. Allele origin: germline.
Comment: This sequence change replaces valine, which is neutral and non-polar, with methionine, which is neutral and non-polar, at codon 636 of the AMPD1 protein (p.Val636Met). This variant is present in population databases (rs776521726, gnomAD 0.008%). This variant has not been reported in the literature in individuals affected with AMPD1-related conditions. ClinVar contains an entry for this variant (Variation ID: 1417086). Algorithms developed to predict the effect of missense changes on protein structure and function are either unavailable or do not agree on the potential impact of this missense change (SIFT: "Deleterious"; PolyPhen-2: "Probably Damaging"; Align-GVGD: "Class C0"). In summary, the available evidence is currently insufficient to determine the role of this variant in disease. Therefore, it has been classified as a Variant of Uncertain Significance.